The following is an entry in ClinVar:

ClinVar aggregate classification (germline): Pathogenic (1 of 4 stars; one submission).

Conditions:
Hereditary cancer-predisposing syndrome. Also called: Hereditary Cancer Syndrome; Neoplastic Syndromes, Hereditary; Hereditary neoplastic syndrome; Tumor predisposition. Identifiers: Orphanet 140162, MedGen C0027672, MeSH D009386, MONDO:0015356.

Submission:

Ambry Genetics
Classification: Pathogenic for Hereditary cancer-predisposing syndrome. Last evaluated: 2018-07-13. Review status: criteria provided, single submitter. Criteria: Ambry Variant Classification Scheme 2023. Collection method: clinical testing. Allele origin: germline.
Comment: The c.418_419insA pathogenic mutation, located in coding exon 2 of the VHL gene, results from an insertion of one nucleotide at position 418, causing a translational frameshift with a predicted alternate stop codon (p.L140Hfs*4). This alteration is expected to result in loss of function by premature protein truncation. As such, this alteration is interpreted as a disease-causing mutation.

NM_000551.4(VHL):c.418_419insA (p.Leu140fs)

Genes: VHL (von Hippel-Lindau tumor suppressor; plus strand), LOC107303340 (3p25 von Hippel-Lindau tumor suppressor, E3 ubiquitin protein ligase Alu-mediated recombination region; plus strand). Cytogenetic location: 3p25.3.
Variant type: Insertion.
Coding change: c.418_419insA on transcript NM_000551.4 (MANE Select); coding-DNA positions 418 to 419, A inserted.
Protein change: p.Leu140fs; shifts the reading frame from leucine 140.
Molecular consequence: frameshift variant. On other transcripts: intron variant (2).
Genome position: GRCh38 VCF-style: chr3-10146591-C-CA. GRCh37 (hg19) VCF-style: chr3-10188275-C-CA.
Other names: c.*18-3196_*18-3195insA (NM_001354723.2); c.341-3196_341-3195insA (NM_198156.3); short protein forms L140fs.
Identifiers: ClinVar variation 428797 (VCV000428797.5), dbSNP rs1131690955, ClinGen allele CA645369330.